The following is an entry in ClinVar:

NM_006017.3(PROM1):c.220+2T>A

Gene: PROM1 (prominin 1; minus strand). Cytogenetic location: 4p15.32.
Variant type: single nucleotide variant.
Coding change: c.220+2T>A on transcript NM_006017.3 (MANE Select); the canonical splice donor site of the intron after coding-DNA position 220, T replaced by A.
Molecular consequence: splice donor variant.
Genome position (GRCh38, 1-based): chr4:16,075,685, A>T on the plus strand (T>A on the coding strand, the complement: PROM1 is on the minus strand). VCF-style: chr4-16075685-A-T. GRCh37 (hg19) VCF-style: chr4-16077308-A-T.
Other names: c.220+2T>A (NM_001145848.2, NM_001145852.2, NM_001145847.2 and 6 more transcripts).
Identifiers: ClinVar variation 1066755 (VCV001066755.9), dbSNP rs2149585436, ClinGen allele CA356437614.

ClinVar aggregate classification (germline): Pathogenic (1 of 4 stars; one submission).

Submission:

Labcorp Genetics (formerly Invitae), Labcorp
Classification: Pathogenic. Last evaluated: 2022-11-15. Review status: criteria provided, single submitter. Criteria: Invitae Variant Classification Sherloc (09022015). Collection method: clinical testing. Allele origin: germline.
Comment: For these reasons, this variant has been classified as Pathogenic. Algorithms developed to predict the effect of sequence changes on RNA splicing suggest that this variant may disrupt the consensus splice site. ClinVar contains an entry for this variant (Variation ID: 1066755). Disruption of this splice site has been observed in individual(s) with Stargardt disease (Invitae). This variant is not present in population databases (gnomAD no frequency). This sequence change affects a donor splice site in intron 1 of the PROM1 gene. It is expected to disrupt RNA splicing. Variants that disrupt the donor or acceptor splice site typically lead to a loss of protein function (PMID: 16199547), and loss-of-function variants in PROM1 are known to be pathogenic (PMID: 17605048, 19718270, 24154662, 25474345).

Literature cited by the submitters: PubMed 16199547; PubMed 17605048; PubMed 19718270; PubMed 24154662; PubMed 25474345.